The following is an entry in ClinVar:

ClinVar aggregate classification (germline): Uncertain significance (1 of 4 stars; one submission).

gnomAD v4.1: 1 of 1,612,732 alleles (0.000062%); no homozygotes.

Submission:

Labcorp Genetics (formerly Invitae), Labcorp
Classification: Uncertain significance. Last evaluated: 2022-10-14. Review status: criteria provided, single submitter. Criteria: Invitae Variant Classification Sherloc (09022015). Collection method: clinical testing. Allele origin: germline.
Comment: Advanced modeling of protein sequence and biophysical properties (such as structural, functional, and spatial information, amino acid conservation, physicochemical variation, residue mobility, and thermodynamic stability) performed at Invitae indicates that this missense variant is not expected to disrupt CLCN2 protein function. In summary, the available evidence is currently insufficient to determine the role of this variant in disease. Therefore, it has been classified as a Variant of Uncertain Significance. This variant has not been reported in the literature in individuals affected with CLCN2-related conditions. This variant is not present in population databases (gnomAD no frequency). This sequence change replaces proline, which is neutral and non-polar, with alanine, which is neutral and non-polar, at codon 642 of the CLCN2 protein (p.Pro642Ala).

NM_004366.6(CLCN2):c.1924C>G (p.Pro642Ala)

Gene: CLCN2 (chloride voltage-gated channel 2; minus strand). Cytogenetic location: 3q27.1.
Variant type: single nucleotide variant.
Coding change: c.1924C>G on transcript NM_004366.6 (MANE Select); coding-DNA position 1924, C replaced by G.
Protein change: p.Pro642Ala; replaces proline 642 with alanine.
Molecular consequence: missense variant.
Genome position (GRCh38, 1-based): chr3:184,353,354, G>C on the plus strand (C>G on the coding strand, the complement: CLCN2 is on the minus strand). VCF-style: chr3-184353354-G-C. GRCh37 (hg19) VCF-style: chr3-184071142-G-C.
Other names: c.1873C>G, p.Pro625Ala (NM_001171087.3); c.1792C>G, p.Pro598Ala (NM_001171088.3); c.1924C>G, p.Pro642Ala (NM_001171089.3); short protein forms P598A, P625A, P642A.
Identifiers: ClinVar variation 2109064 (VCV002109064.4), dbSNP rs2474239397, ClinGen allele CA355448975.
Genomic context (GRCh38, chr3:184,353,354, plus strand): 5'-CAGATAGTGGAGAGGTCTGGGTGGCTCTGCGCTCCTGCATGTGCTGCCGCCGGCGGGCTG[G>C]GCTCAGCTGGGCCCCCAACAATGCCACCACCTGTGAACGCTCGATGGAGCCCAGCAGAAT-3'
Protein context (NP_004357.3, residues 632-652): VVALLGAQLS[Pro642Ala]ARRRQHMQER